The following is an entry in ClinVar:

NM_014956.5(CEP164):c.2269G>A (p.Gly757Arg)

Gene: CEP164 (centrosomal protein 164; plus strand). Cytogenetic location: 11q23.3.
Variant type: single nucleotide variant.
Coding change: c.2269G>A on transcript NM_014956.5 (MANE Select); coding-DNA position 2269, G replaced by A.
Protein change: p.Gly757Arg; replaces glycine 757 with arginine.
Molecular consequence: missense variant.
Genome position (GRCh38, 1-based): chr11:117,391,201, G>A. VCF-style: chr11-117391201-G-A. GRCh37 (hg19) VCF-style: chr11-117261917-G-A.
Other names: c.2278G>A, p.Gly760Arg (NM_001271933.2); short protein forms G757R, G760R.
Identifiers: ClinVar variation 1380271 (VCV001380271.6), dbSNP rs757911593, ClinGen allele CA382723693.
Genomic context (GRCh38, chr11:117,391,201, plus strand): 5'-CAGGCTGCCCTGAATGCTGCAAAGGAGAAGGCTCTGCAGCAGCTGAGGGAGCAGCTGGAA[G>A]GGGAGAGGAAAGAAGTGAGCTAGTCAAGTGGGGACCTCACCCTCTGACCTGTGTCTGGGC-3'
Protein context (NP_055771.4, residues 747-767): ALQQLREQLE[Gly757Arg]ERKEAVATLE

ClinVar aggregate classification (germline): Uncertain significance (1 of 4 stars; one submission).

Conditions:
Nephronophthisis 15 (NPHP15). Identifiers: Orphanet 3156, MedGen C3541853, MONDO:0013917, OMIM 614845.

Submission:

Labcorp Genetics (formerly Invitae), Labcorp
Classification: Uncertain significance for Nephronophthisis 15. Last evaluated: 2022-07-11. Review status: criteria provided, single submitter. Criteria: Invitae Variant Classification Sherloc (09022015). Collection method: clinical testing. Allele origin: germline.
Comment: Algorithms developed to predict the effect of missense changes on protein structure and function output the following: SIFT: "Tolerated"; PolyPhen-2: "Benign"; Align-GVGD: "Class C0". The arginine amino acid residue is found in multiple mammalian species, which suggests that this missense change does not adversely affect protein function. ClinVar contains an entry for this variant (Variation ID: 1380271). This variant has not been reported in the literature in individuals affected with CEP164-related conditions. This variant is not present in population databases (gnomAD no frequency). This sequence change replaces glycine, which is neutral and non-polar, with arginine, which is basic and polar, at codon 757 of the CEP164 protein (p.Gly757Arg). In summary, the available evidence is currently insufficient to determine the role of this variant in disease. Therefore, it has been classified as a Variant of Uncertain Significance.